The following is an entry in ClinVar:

NM_002693.3(POLG):c.134A>T (p.Gln45Leu)

Genes: POLG (DNA polymerase gamma, catalytic subunit; minus strand), POLGARF (POLG alternative reading frame; minus strand). Cytogenetic location: 15q26.1.
Variant type: single nucleotide variant.
Coding change: c.134A>T on transcript NM_002693.3 (MANE Select); coding-DNA position 134, A replaced by T.
Protein change: p.Gln45Leu; replaces glutamine 45 with leucine.
Molecular consequence: missense variant. On other transcripts: synonymous variant (1).
Genome position (GRCh38, 1-based): chr15:89,333,621, T>A on the plus strand (A>T on the coding strand, the complement: POLG is on the minus strand). VCF-style: chr15-89333621-T-A. GRCh37 (hg19) VCF-style: chr15-89876852-T-A.
Other names: c.189A>T, p.Ala63= (NM_001430120.1); c.134A>T, p.Gln45Leu (NM_001126131.2); short protein forms Q45L.
Identifiers: ClinVar variation 4529817 (VCV004529817.1).

ClinVar aggregate classification (germline): Uncertain significance (1 of 4 stars; one submission).

Submission:

GeneDx
Classification: Uncertain significance. Last evaluated: 2025-05-14. Review status: criteria provided, single submitter. Criteria: GeneDx Variant Classification Process June 2021. Collection method: clinical testing. Allele origin: germline. Affected: yes.
Comment: Not observed at significant frequency in large population cohorts (gnomAD); In silico analysis suggests that this missense variant does not alter protein structure/function; Has not been previously published as pathogenic or benign to our knowledge